The following is an entry in ClinVar:

NM_006231.4(POLE):c.6005C>T (p.Ala2002Val)

Gene: POLE (DNA polymerase epsilon, catalytic subunit; minus strand). Cytogenetic location: 12q24.33.
Variant type: single nucleotide variant.
Coding change: c.6005C>T on transcript NM_006231.4 (MANE Select); coding-DNA position 6005, C replaced by T.
Protein change: p.Ala2002Val; replaces alanine 2002 with valine.
Molecular consequence: missense variant.
Genome position (GRCh38, 1-based): chr12:132,632,795, G>A on the plus strand (C>T on the coding strand, the complement: POLE is on the minus strand). VCF-style: chr12-132632795-G-A. GRCh37 (hg19) VCF-style: chr12-133209381-G-A.
Other names: c.6005C>T (NM_006231.2); short protein forms A2002V.
Identifiers: ClinVar variation 572677 (VCV000572677.12), dbSNP rs1247397969, ClinGen allele CA387370943.

ClinVar aggregate classification (germline): Uncertain significance. Review status: criteria provided, multiple submitters, no conflicts (2 of 4 stars). 3 submissions from 3 submitters: Uncertain significance (3). Last evaluated 2026-01-21.

Conditions:
Hereditary cancer-predisposing syndrome. Also called: Neoplastic Syndromes, Hereditary; Hereditary neoplastic syndrome; Tumor predisposition; Hereditary Cancer Syndrome. Identifiers: Orphanet 140162, MedGen C0027672, MeSH D009386, MONDO:0015356.

Allele frequency attached by ClinVar (database versions not stated): gnomAD exomes below 0.00001.
gnomAD v4.1: 6 of 1,602,516 alleles (0.00037%); highest among the groups gnomAD compares: Non-Finnish European, 0.00034%; no homozygotes.

Submissions (3):

Ambry Genetics
Classification: Uncertain significance for Hereditary cancer-predisposing syndrome. Last evaluated: 2026-01-21. Review status: criteria provided, single submitter. Criteria: Ambry Variant Classification Scheme 2023. Collection method: clinical testing. Allele origin: germline.

Labcorp Genetics (formerly Invitae), Labcorp
Classification: Uncertain significance. Last evaluated: 2025-12-24. Review status: criteria provided, single submitter. Criteria: Invitae Variant Classification Sherloc (09022015). Collection method: clinical testing. Allele origin: germline.
Comment: This sequence change replaces alanine, which is neutral and non-polar, with valine, which is neutral and non-polar, at codon 2002 of the POLE protein (p.Ala2002Val). The frequency data for this variant in the population databases is considered unreliable, as metrics indicate poor data quality at this position in the gnomAD database. This variant has not been reported in the literature in individuals affected with POLE-related conditions. ClinVar contains an entry for this variant (Variation ID: 572677). An algorithm developed to predict the effect of missense changes on protein structure and function (PolyPhen-2) suggests that this variant is likely to be tolerated. In summary, the available evidence is currently insufficient to determine the role of this variant in disease. Therefore, it has been classified as a Variant of Uncertain Significance.

GeneDx
Classification: Uncertain significance. Last evaluated: 2024-05-10. Review status: criteria provided, single submitter. Criteria: GeneDx Variant Classification Process June 2021. Collection method: clinical testing. Allele origin: germline. Affected: yes.
Comment: Not observed at significant frequency in large population cohorts (gnomAD); In silico analysis indicates that this missense variant does not alter protein structure/function; Has not been previously published as pathogenic or benign to our knowledge